The following is an entry in ClinVar:

NM_000384.3(APOB):c.1613A>T (p.Asp538Val)

Gene: APOB (apolipoprotein B; minus strand). Cytogenetic location: 2p24.1.
Variant type: single nucleotide variant.
Coding change: c.1613A>T on transcript NM_000384.3 (MANE Select); coding-DNA position 1613, A replaced by T.
Protein change: p.Asp538Val; replaces aspartic acid 538 with valine.
Molecular consequence: missense variant.
Genome position (GRCh38, 1-based): chr2:21,029,643, T>A on the plus strand (A>T on the coding strand, the complement: APOB is on the minus strand). VCF-style: chr2-21029643-T-A. GRCh37 (hg19) VCF-style: chr2-21252515-T-A.
Other names: short protein forms D538V.
Identifiers: ClinVar variation 4685378 (VCV004685378.1).

ClinVar aggregate classification (germline): Uncertain significance (1 of 4 stars; one submission).

Submission:

GeneDx
Classification: Uncertain significance. Last evaluated: 2025-07-09. Review status: criteria provided, single submitter. Criteria: GeneDx Variant Classification Process June 2021. Collection method: clinical testing. Allele origin: germline. Affected: yes.
Comment: Not observed at significant frequency in large population cohorts (gnomAD); In silico analysis supports that this missense variant has a deleterious effect on protein structure/function; Has not been previously published as pathogenic or benign to our knowledge